The following is an entry in ClinVar:

NM_000051.4(ATM):c.2125-11T>C

Gene: ATM (ATM serine/threonine kinase; plus strand). Cytogenetic location: 11q22.3.
Variant type: single nucleotide variant.
Coding change: c.2125-11T>C on transcript NM_000051.4 (MANE Select); 11 bases into the intron before coding-DNA position 2125, T replaced by C.
Molecular consequence: intron variant.
Genome position (GRCh38, 1-based): chr11:108,256,204, T>C. VCF-style: chr11-108256204-T-C. GRCh37 (hg19) VCF-style: chr11-108126931-T-C.
Other names: c.2125-11T>C (NM_001351834.2).
Identifiers: ClinVar variation 3254517 (VCV003254517.1), dbSNP rs1054208254.

ClinVar aggregate classification (germline): Likely benign (1 of 4 stars; one submission).

Conditions:
Familial cancer of breast. Also called: BREAST CANCER, FAMILIAL; Hereditary breast cancer; hereditary breast carcinoma. Identifiers: Orphanet 227535, MedGen C0346153, MONDO:0016419, OMIM 114480. Disease mechanism: loss of function.

Submission:

Myriad Genetics, Inc.
Classification: Likely benign for Familial cancer of breast. Last evaluated: 2024-05-07. Review status: criteria provided, single submitter. Criteria: Myriad Autosomal Dominant, Autosomal Recessive and X-Linked Classification Criteria (2023). Collection method: clinical testing. Allele origin: unknown.
Comment: This variant is considered likely benign. This variant is intronic and is not expected to impact mRNA splicing.